The following is an entry in ClinVar:

NM_001267550.2(TTN):c.58160C>T (p.Thr19387Met)

Genes: TTN (titin; minus strand), TTN-AS1 (TTN antisense RNA 1; plus strand). Cytogenetic location: 2q31.2.
Variant type: single nucleotide variant.
Coding change: c.58160C>T on transcript NM_001267550.2 (MANE Select); coding-DNA position 58160, C replaced by T.
Protein change: p.Thr19387Met; replaces threonine 19387 with methionine.
Molecular consequence: missense variant.
Genome position (GRCh38, 1-based): chr2:178,594,233, G>A on the plus strand (C>T on the coding strand, the complement: TTN is on the minus strand). VCF-style: chr2-178594233-G-A. GRCh37 (hg19) VCF-style: chr2-179458960-G-A.
Other names: c.53237C>T, p.Thr17746Met (NM_001256850.1); c.30965C>T, p.Thr10322Met (NM_003319.4); c.50456C>T, p.Thr16819Met (NM_133378.4); c.31340C>T, p.Thr10447Met (NM_133432.3); c.31541C>T, p.Thr10514Met (NM_133437.4); short protein forms T10322M, T10447M, T10514M, T16819M, T17746M, T19387M.
Identifiers: ClinVar variation 2691436 (VCV002691436.3), dbSNP rs771653779, ClinGen allele CA1992906.

ClinVar aggregate classification (germline): Uncertain significance. Review status: criteria provided, multiple submitters, no conflicts (2 of 4 stars). 3 submissions from 3 submitters: Uncertain significance (3). Last evaluated 2026-04-10.

Conditions:
TTN-related disorder. Also called: TTN-related disorders; TTN-related condition; TTN-related disease.

Allele frequency attached by ClinVar (database versions not stated): gnomAD 0.00001; TOPMed 0.00003; ExAC 0.00006.
gnomAD v4.1: 109 of 1,606,176 alleles (0.0068%); highest among the groups gnomAD compares: Admixed American, 0.021%; no homozygotes.

Submissions (3):

PreventionGenetics, part of Exact Sciences
Classification: Uncertain significance for TTN-related condition. Last evaluated: 2026-04-10. Review status: criteria provided, single submitter. Criteria: ACMG Guidelines, 2015. Collection method: clinical testing. Allele origin: germline.
Comment: The TTN c.58160C>T variant is predicted to result in the amino acid substitution p.Thr19387Met. To our knowledge, this variant has not been reported in the literature. This variant is reported in 0.037% of alleles in individuals of Latino descent in gnomAD. At this time, the clinical significance of this variant is uncertain due to the absence of conclusive functional and genetic evidence.

Women's Health and Genetics/Laboratory Corporation of America, LabCorp
Classification: Uncertain significance. Last evaluated: 2023-12-27. Review status: criteria provided, single submitter. Criteria: LabCorp Variant Classification Summary - May 2015. Collection method: clinical testing. Allele origin: germline.
Comment: Variant summary: TTN c.50456C>T (p.Thr16819Met) results in a non-conservative amino acid change located in the A band region of the encoded protein sequence. Three of four in-silico tools predict a damaging effect of the variant on protein function. The variant allele was found at a frequency of 7e-05 in 242148 control chromosomes (gnomAD). This frequency is not significantly higher than estimated for a pathogenic variant in TTN causing Dilated Cardiomyopathy (7e-05 vs 0.00039), allowing no conclusion about variant significance. To our knowledge, no occurrence of c.50456C>T in individuals affected with Dilated Cardiomyopathy and no experimental evidence demonstrating its impact on protein function have been reported. No submitters have cited clinical-significance assessments for this variant to ClinVar after 2014. Based on the evidence outlined above, the variant was classified as uncertain significance.

Revvity Omics, Revvity
Classification: Uncertain significance. Last evaluated: 2023-12-20. Review status: criteria provided, single submitter. Criteria: ACMG Guidelines, 2015. Collection method: clinical testing. Allele origin: germline.